The following is an entry in ClinVar:

NM_000368.5(TSC1):c.1967G>C (p.Gly656Ala)

Gene: TSC1 (TSC complex subunit 1; minus strand). Cytogenetic location: 9q34.13.
Variant type: single nucleotide variant.
Coding change: c.1967G>C on transcript NM_000368.5 (MANE Select); coding-DNA position 1967, G replaced by C.
Protein change: p.Gly656Ala; replaces glycine 656 with alanine.
Molecular consequence: missense variant.
Genome position (GRCh38, 1-based): chr9:132,905,611, C>G on the plus strand (G>C on the coding strand, the complement: TSC1 is on the minus strand). VCF-style: chr9-132905611-C-G. GRCh37 (hg19) VCF-style: chr9-135780998-C-G.
Other names: c.1964G>C, p.Gly655Ala (NM_001162426.2); c.1814G>C, p.Gly605Ala (NM_001162427.2); c.1604G>C, p.Gly535Ala (NM_001362177.2); short protein forms G656A, G535A, G605A, G655A.
Identifiers: ClinVar variation 486580 (VCV000486580.8), dbSNP rs1554815701, ClinGen allele CA375362346.

ClinVar aggregate classification (germline): Uncertain significance. Review status: criteria provided, multiple submitters, no conflicts (2 of 4 stars). 3 submissions from 3 submitters: Uncertain significance (3). Last evaluated 2023-10-06.

Conditions:
Hereditary cancer-predisposing syndrome. Also called: Tumor predisposition; Neoplastic Syndromes, Hereditary; Hereditary Cancer Syndrome; Hereditary neoplastic syndrome. Identifiers: Orphanet 140162, MedGen C0027672, MeSH D009386, MONDO:0015356.
Tuberous sclerosis syndrome (TSC). Also called: Tuberous Sclerosis Complex; Tuberous sclerosis. Identifiers: Orphanet 805, MedGen C0041341, MONDO:0001734.
Tuberous sclerosis 1 (TSC1). Identifiers: Orphanet 805, MedGen C1854465, MONDO:0008612, OMIM 191100.

Submissions (3):

All of Us Research Program, National Institutes of Health
Classification: Uncertain significance for Tuberous sclerosis syndrome. Last evaluated: 2023-10-06. Review status: criteria provided, single submitter. Criteria: ACMG Guidelines, 2015. Collection method: clinical testing. Allele origin: germline. Inheritance: Autosomal dominant inheritance. Observed: 1 variant allele, 1 heterozygote.
Comment: This missense variant replaces glycine with alanine at codon 656 of the TSC1 protein. Computational prediction is inconclusive regarding the impact of this variant on protein structure and function (internally defined REVEL score threshold 0.5 < inconclusive < 0.7, PMID: 27666373). To our knowledge, functional studies have not been reported for this variant. This variant has not been reported in individuals affected with TSC1-related disorders in the literature. This variant has not been identified in the general population by the Genome Aggregation Database (gnomAD). The available evidence is insufficient to determine the role of this variant in disease conclusively. Therefore, this variant is classified as a Variant of Uncertain Significance.

This study involves interpretation of variants in research participants for the purpose of population health screening. Participant phenotype was not available at the time of variant classification. Additional details can be found in publication PMID: 35346344, PMCID: PMC8962531

Labcorp Genetics (formerly Invitae), Labcorp
Classification: Uncertain significance for Tuberous sclerosis 1. Last evaluated: 2023-09-08. Review status: criteria provided, single submitter. Criteria: Invitae Variant Classification Sherloc (09022015). Collection method: clinical testing. Allele origin: germline.
Comment: In summary, the available evidence is currently insufficient to determine the role of this variant in disease. Therefore, it has been classified as a Variant of Uncertain Significance. Advanced modeling of protein sequence and biophysical properties (such as structural, functional, and spatial information, amino acid conservation, physicochemical variation, residue mobility, and thermodynamic stability) performed at Invitae indicates that this missense variant is not expected to disrupt TSC1 protein function. ClinVar contains an entry for this variant (Variation ID: 486580). This variant has not been reported in the literature in individuals affected with TSC1-related conditions. This variant is not present in population databases (gnomAD no frequency). This sequence change replaces glycine, which is neutral and non-polar, with alanine, which is neutral and non-polar, at codon 656 of the TSC1 protein (p.Gly656Ala).

Ambry Genetics
Classification: Uncertain significance for Hereditary cancer-predisposing syndrome. Last evaluated: 2016-03-01. Review status: criteria provided, single submitter. Criteria: Ambry Variant Classification Scheme 2023. Collection method: clinical testing. Allele origin: germline.
Comment: The p.G656A variant (also known as c.1967G>C), located in coding exon 13 of the TSC1 gene, results from a G to C substitution at nucleotide position 1967. The glycine at codon 656 is replaced by alanine, an amino acid with similar properties. This variant was not reported in population based cohorts in the following databases: Database of Single Nucleotide Polymorphisms (dbSNP), NHLBI Exome Sequencing Project (ESP), and 1000 Genomes Project. In the ESP, this variant was not observed in 6503 samples (13006 alleles) with coverage at this position. To date, this alteration has been detected with an allele frequency of approximately 0.01% (greater than 10000 alleles tested) in our clinical cohort. This amino acid position is highly conserved in available vertebrate species. In addition, this alteration is predicted to be deleterious by in silico analysis. Since supporting evidence is limited at this time, the clinical significance of this alteration remains unclear.